The following is an entry in ClinVar:

NM_000153.4(GALC):c.1033+145A>G

Gene: GALC (galactosylceramidase; minus strand). Cytogenetic location: 14q31.3.
Variant type: single nucleotide variant.
Coding change: c.1033+145A>G on transcript NM_000153.4 (MANE Select); 145 bases into the intron after coding-DNA position 1033, A replaced by G.
Molecular consequence: intron variant.
Genome position (GRCh38, 1-based): chr14:87,965,360, T>C on the plus strand (A>G on the coding strand, the complement: GALC is on the minus strand). VCF-style: chr14-87965360-T-C. GRCh37 (hg19) VCF-style: chr14-88431704-T-C.
Other names: NC_000014.8:g.88431704T>C; c.955+145A>G (NM_001201402.2); c.964+145A>G (NM_001201401.2).
Identifiers: ClinVar variation 681829 (VCV000681829.3), dbSNP rs17760463, ClinGen allele CA13997356.

ClinVar aggregate classification (germline): Benign. Review status: criteria provided, multiple submitters, no conflicts (2 of 4 stars). 2 submissions from 2 submitters: Benign (2). Last evaluated 2018-06-19.

Allele frequency attached by ClinVar (database versions not stated): TOPMed 0.10654; gnomAD exomes 0.14313; 1000 Genomes Project 30x 0.08182; 1000 Genomes Project 0.07947; gnomAD 0.11295 and 0.11423.
gnomAD v4.1: 119,192 of 866,664 alleles (14%); highest among the groups gnomAD compares: Non-Finnish European, 16%; 9,310 homozygotes.

Submissions (4):

GeneDx
Classification: Benign. Last evaluated: 2018-06-19. Review status: criteria provided, single submitter. Criteria: GeneDx Variant Classification (06012015). Collection method: clinical testing. Allele origin: germline. Affected: yes.
Comment: This variant is considered likely benign or benign based on one or more of the following criteria: it is a conservative change, it occurs at a poorly conserved position in the protein, it is predicted to be benign by multiple in silico algorithms, and/or has population frequency not consistent with disease.

Breakthrough Genomics
Classification: Benign. Review status: criteria provided, single submitter. Criteria: ACMG Guidelines, 2015. Collection method: not provided. Allele origin: germline. Inheritance: Autosomal recessive inheritance. Affected: yes.

Dr. Peter K. Rogan Lab, Western University
No classification provided (evidence only). Condition: Malignant lymphoma, large B-cell, diffuse. Review status: no classification provided. Collection method: in vitro. Allele origin: not applicable. Functional consequence: retained intron. Not counted in ClinVar's aggregate classification.

Dr. Peter K. Rogan Lab, Western University
No classification provided (evidence only). Condition: Cholangiocarcinoma. Review status: no classification provided. Collection method: in vitro. Allele origin: not applicable. Functional consequence: retained intron. Not counted in ClinVar's aggregate classification.